The following is an entry in ClinVar:

NM_006214.4(PHYH):c.592_595delinsTATAAGAGACAG (p.His198fs)

Gene: PHYH (phytanoyl-CoA 2-hydroxylase; minus strand). Cytogenetic location: 10p13.
Variant type: Indel.
Coding change: c.592_595delinsTATAAGAGACAG on transcript NM_006214.4 (MANE Select); coding-DNA positions 592 to 595, CACA replaced by TATAAGAGACAG.
Protein change: p.His198fs; shifts the reading frame from histidine 198.
Molecular consequence: frameshift variant. On other transcripts: intron variant (1).
Genome position (GRCh38, 1-based): chr10:13,288,443-13,288,446, TGTG replaced by CTGTCTCTTATA on the plus strand (CACA replaced by TATAAGAGACAG on the coding strand, the reverse complement: PHYH is on the minus strand). VCF-style: chr10-13288443-TGTG-CTGTCTCTTATA. GRCh37 (hg19) VCF-style: chr10-13330443-TGTG-CTGTCTCTTATA.
Other names: c.292_295delinsTATAAGAGACAG, p.His98fs (NM_001037537.2, NM_001323080.2); c.598_601delinsTATAAGAGACAG, p.His200fs (NM_001323082.2); c.298_301delinsTATAAGAGACAG, p.His100fs (NM_001323084.2); c.415-4607_415-4604delinsTATAAGAGACAG (NM_001323083.2); short protein forms H100fs, H198fs, H200fs, H98fs.
Identifiers: ClinVar variation 5010936 (VCV005010936.1).

ClinVar aggregate classification (germline): Pathogenic (1 of 4 stars; one submission).

Conditions:
Refsum disease, classic. Also called: HEREDOPATHIA ATACTICA POLYNEURITIFORMIS; HMSN IV; PHYTANIC ACID OXIDASE DEFICIENCY; PHYH-Related Refsum Disease. Identifiers: Orphanet 773, MedGen C5780941, MONDO:1060256, OMIM 266500. Disease mechanism: loss of function.

Submission:

Myriad Genetics, Inc.
Classification: Pathogenic for Refsum disease, classic. Last evaluated: 2024-05-14. Review status: criteria provided, single submitter. Criteria: Myriad Autosomal Dominant, Autosomal Recessive and X-Linked Classification Criteria (2023). Collection method: clinical testing. Allele origin: unknown.
Comment: NM_006214.3(PHYH):c.592_595del4ins12(H198Yfs*23) is expected to be pathogenic in the context of Refsum disease, PHYH-related. This variant is predicted to lead to an abnormal or absent protein product due to the creation of a premature termination codon in PHYH, a gene where loss-of-function variants are known to be pathogenic. Please note: this variant was assessed in the context of healthy population screening.